The following is an entry in ClinVar:

NM_007103.4(NDUFV1):c.1079C>T (p.Ser360Leu)

Gene: NDUFV1 (NADH:ubiquinone oxidoreductase core subunit V1; plus strand). Cytogenetic location: 11q13.2.
Variant type: single nucleotide variant.
Coding change: c.1079C>T on transcript NM_007103.4 (MANE Select); coding-DNA position 1079, C replaced by T.
Protein change: p.Ser360Leu; replaces serine 360 with leucine.
Molecular consequence: missense variant.
Genome position (GRCh38, 1-based): chr11:67,611,568, C>T. VCF-style: chr11-67611568-C-T. GRCh37 (hg19) VCF-style: chr11-67379039-C-T.
Other names: c.1052C>T, p.Ser351Leu (NM_001166102.2); short protein forms S360L, S351L.
Identifiers: ClinVar variation 305754 (VCV000305754.43), dbSNP rs372208500, ClinGen allele CA6143375.

ClinVar aggregate classification (germline): Uncertain significance. Review status: criteria provided, multiple submitters, no conflicts (2 of 4 stars). 5 submissions from 4 submitters: Uncertain significance (5). Last evaluated 2024-09-23.

Conditions:
Inborn genetic diseases. Identifiers: MedGen C0950123, MeSH D030342.
Leigh syndrome (NULS). Also called: Leigh's syndrome; Leigh's necrotizing encephalopathy; Leigh's disease; Subacute necrotizing encephalopathy; Necrotizing encephalopathy infantile subacute of Leigh; Leigh Syndrome (mtDNA deletion). Identifiers: Orphanet 506, MedGen C2931891, MONDO:0009723, OMIM 256000.
Mitochondrial complex I deficiency, nuclear type 1. Also called: NADH-COENZYME Q REDUCTASE DEFICIENCY; MITOCHONDRIAL NADH DEHYDROGENASE COMPONENT OF COMPLEX I, DEFICIENCY OF. Identifiers: MedGen C6022305, MONDO:0100224, OMIM 252010.

Allele frequency attached by ClinVar (database versions not stated): gnomAD 0.00005 and 0.00006; TOPMed 0.00005; ESP Exome Variant Server 0.00008.
gnomAD v4.1: 235 of 1,601,820 alleles (0.015%); highest among the groups gnomAD compares: Non-Finnish European, 0.019%; no homozygotes.

Submissions (5):

Blueprint Genetics
Classification: Uncertain significance. Last evaluated: 2024-09-23. Review status: criteria provided, single submitter. Criteria: ACMG Guidelines, 2015. Collection method: clinical testing. Allele origin: germline.

CeGaT Center for Human Genetics Tuebingen
Classification: Uncertain significance. Last evaluated: 2021-10-01. Review status: criteria provided, single submitter. Criteria: CeGaT Center For Human Genetics Tuebingen Variant Classification Criteria Version 2. Collection method: clinical testing. Allele origin: germline. Affected: yes. Observed: 1 variant allele.

Ambry Genetics
Classification: Uncertain significance for Inborn genetic diseases. Last evaluated: 2021-04-21. Review status: criteria provided, single submitter. Criteria: Ambry Variant Classification Scheme 2023. Collection method: clinical testing. Allele origin: germline.
Comment: The c.1079C>T (p.S360L) alteration is located in exon 7 (coding exon 7) of the NDUFV1 gene. This alteration results from a C to T substitution at nucleotide position 1079, causing the serine (S) at amino acid position 360 to be replaced by a leucine (L). The p.S360L alteration is predicted to be deleterious by in silico analysis. Based on insufficient or conflicting evidence, the clinical significance of this alteration remains unclear.

Illumina Laboratory Services, Illumina
Classification: Uncertain significance for Leigh syndrome. Last evaluated: 2018-01-13. Review status: criteria provided, single submitter. Criteria: ICSL Variant Classification Criteria 13 December 2019. Collection method: clinical testing. Allele origin: germline.

Illumina Laboratory Services, Illumina
Classification: Uncertain significance for Mitochondrial complex I deficiency, nuclear type 1. Last evaluated: 2018-01-13. Review status: criteria provided, single submitter. Criteria: ICSL Variant Classification Criteria 13 December 2019. Collection method: clinical testing. Allele origin: germline.